The following is an entry in ClinVar:

NM_152564.5(VPS13B):c.10846G>A (p.Ala3616Thr)

Gene: VPS13B (vacuolar protein sorting 13 homolog B; plus strand). Cytogenetic location: 8q22.2.
Variant type: single nucleotide variant.
Coding change: c.10846G>A on transcript NM_152564.5 (MANE Select); coding-DNA position 10846, G replaced by A.
Protein change: p.Ala3616Thr; replaces alanine 3616 with threonine.
Molecular consequence: missense variant.
Genome position (GRCh38, 1-based): chr8:99,854,235, G>A. VCF-style: chr8-99854235-G-A. GRCh37 (hg19) VCF-style: chr8-100866463-G-A.
Other names: p.Ala3641Thr; c.10846G>A (NM_152564.4); c.10921G>A, p.Ala3641Thr (NM_017890.5); c.10921G>A (NM_017890.3); short protein forms A3641T, A3616T.
Identifiers: ClinVar variation 837944 (VCV000837944.18), dbSNP rs149659649, ClinGen allele CA4825026.
Genomic context (GRCh38, chr8:99,854,235, plus strand): 5'-AGAGGACCCATCTTCACCACTGCGAGGCAGCTTGTGCACGCCCTGGCAATGCACTATGCC[G>A]CTGGGGCCCTTTTTAGAGCAGGTAAGAACACAAGCTGAGGGTCTGTGATGAGCTAGAGCC-3'
Protein context (NP_689777.3, residues 3606-3626): LVHALAMHYA[Ala3616Thr]GALFRAGWVV

ClinVar aggregate classification (germline): Uncertain significance. Review status: criteria provided, multiple submitters, no conflicts (2 of 4 stars). 7 submissions from 7 submitters: Uncertain significance (6). 1 of the submissions does not count toward it. Last evaluated 2026-08-07.

Conditions:
Cohen syndrome (COH1). Also called: Cutis verticis gyrata, retinitis pigmentosa, and sensorineural deafness; PEPPER SYNDROME. Identifiers: Orphanet 193, MedGen C0265223, MONDO:0008999, OMIM 216550.
VPS13B-related disorder. Also called: VPS13B-related condition.
Inborn genetic diseases. Identifiers: MedGen C0950123, MeSH D030342.

Allele frequency attached by ClinVar (database versions not stated): gnomAD 0.00004; gnomAD exomes 0.00005; TOPMed 0.00005; ExAC 0.00008; ESP Exome Variant Server 0.00015.
gnomAD v4.1: 77 of 1,613,780 alleles (0.0048%); highest among the groups gnomAD compares: South Asian, 0.0099%; no homozygotes.

Submissions (7):

PreventionGenetics, part of Exact Sciences
Classification: Uncertain significance for VPS13B-related condition. Last evaluated: 2026-08-07. Review status: criteria provided, single submitter. Criteria: ACMG Guidelines, 2015. Collection method: clinical testing. Allele origin: germline.
Comment: The VPS13B c.10846G>A variant is predicted to result in the amino acid substitution p.Ala3616Thr. This variant corresponds to c.10921G>A (p.Ala3641Thr) in an alternate transcript for this gene (NM_017890.4); it has been reported de novo in an individual with a developmental disorder (Supplementary Table 1, Kaplanis et al. 2020. PubMed ID: 33057194) and has been noted in another individual with autism (Supplementary Data 3, Zhou et al. 2022. PubMed ID: 35982159). This variant is reported in 0.016% of alleles in individuals of African descent in gnomAD. At this time, the clinical significance of this variant is uncertain due to the absence of conclusive functional and genetic evidence.

CeGaT Center for Human Genetics Tuebingen
Classification: Uncertain significance. Last evaluated: 2025-11-01. Review status: criteria provided, single submitter. Criteria: CeGaT Center For Human Genetics Tuebingen Variant Classification Criteria Version 2. Collection method: clinical testing. Allele origin: germline. Affected: yes. Observed: 1 variant allele.
Comment: VPS13B: PM2

Mayo Clinic Laboratories, Mayo Clinic
Classification: Uncertain significance. Last evaluated: 2024-09-04. Review status: criteria provided, single submitter. Criteria: ACMG Guidelines, 2015. Collection method: clinical testing. Allele origin: germline. Observed: 1 variant allele.
Comment: BP4

Fulgent Genetics
Classification: Uncertain significance for Cohen syndrome. Last evaluated: 2024-03-13. Review status: criteria provided, single submitter. Criteria: ACMG Guidelines, 2015. Collection method: clinical testing. Allele origin: germline.

Labcorp Genetics (formerly Invitae), Labcorp
Classification: Uncertain significance for Cohen syndrome. Last evaluated: 2022-09-09. Review status: criteria provided, single submitter. Criteria: Invitae Variant Classification Sherloc (09022015). Collection method: clinical testing. Allele origin: germline.
Comment: This sequence change replaces alanine, which is neutral and non-polar, with threonine, which is neutral and polar, at codon 3641 of the VPS13B protein (p.Ala3641Thr). This variant is present in population databases (rs149659649, gnomAD 0.01%). This variant has not been reported in the literature in individuals affected with VPS13B-related conditions. ClinVar contains an entry for this variant (Variation ID: 837944). Advanced modeling of protein sequence and biophysical properties (such as structural, functional, and spatial information, amino acid conservation, physicochemical variation, residue mobility, and thermodynamic stability) performed at Invitae indicates that this missense variant is not expected to disrupt VPS13B protein function. In summary, the available evidence is currently insufficient to determine the role of this variant in disease. Therefore, it has been classified as a Variant of Uncertain Significance.

Ambry Genetics
Classification: Uncertain significance for Inborn genetic diseases. Last evaluated: 2021-10-26. Review status: criteria provided, single submitter. Criteria: Ambry Variant Classification Scheme 2023. Collection method: clinical testing. Allele origin: germline.

Natera, Inc.
Classification: Uncertain significance for Cohen syndrome. Last evaluated: 2020-02-26. Review status: no assertion criteria provided. Collection method: clinical testing. Allele origin: germline. Not counted in ClinVar's aggregate classification.